The following is an entry in ClinVar:

NM_207037.2(TCF12):c.1936C>T (p.Gln646Ter)

Gene: TCF12 (transcription factor 12; plus strand). Cytogenetic location: 15q21.3.
Variant type: single nucleotide variant.
Coding change: c.1936C>T on transcript NM_207037.2 (MANE Select); coding-DNA position 1936, C replaced by T.
Protein change: p.Gln646Ter; replaces glutamine 646 with a stop codon.
Molecular consequence: nonsense.
Genome position (GRCh38, 1-based): chr15:57,273,220, C>T. VCF-style: chr15-57273220-C-T. GRCh37 (hg19) VCF-style: chr15-57565418-C-T.
Other names: c.1864C>T, p.Gln622Ter (NM_001322157.3, NM_001322165.2, NM_003205.4 and 1 more transcripts); c.1690C>T, p.Gln564Ter (NM_001322158.2); c.1936C>T, p.Gln646Ter (NM_001322159.3, NM_001322162.2, NM_207036.2 and 1 more transcripts); c.1933C>T, p.Gln645Ter (NM_001322161.2, NM_001322152.2); c.1900C>T, p.Gln634Ter (NM_001322164.2); c.1354C>T, p.Gln452Ter (NM_207040.2); c.1426C>T, p.Gln476Ter (NM_001306219.3); c.1156C>T, p.Gln386Ter (NM_001306220.3); and 2 more; short protein forms Q564*, Q646*, Q452*, Q386*, Q622*, Q645*, Q427*, Q476*.
Identifiers: ClinVar variation 2853853 (VCV002853853.3), dbSNP rs2551501386, ClinGen allele CA392593129.

ClinVar aggregate classification (germline): Pathogenic (1 of 4 stars; one submission).

Submission:

Labcorp Genetics (formerly Invitae), Labcorp
Classification: Pathogenic. Last evaluated: 2023-04-09. Review status: criteria provided, single submitter. Criteria: Invitae Variant Classification Sherloc (09022015). Collection method: clinical testing. Allele origin: germline.
Comment: This sequence change creates a premature translational stop signal (p.Gln646*) in the TCF12 gene. It is expected to result in an absent or disrupted protein product. Loss-of-function variants in TCF12 are known to be pathogenic (PMID: 23354436, 32620954). This variant is not present in population databases (gnomAD no frequency). This variant has not been reported in the literature in individuals affected with TCF12-related conditions. For these reasons, this variant has been classified as Pathogenic.

Literature cited by the submitters: PubMed 23354436; PubMed 32620954.